The following is an entry in ClinVar:

ClinVar aggregate classification (germline): Uncertain significance. Review status: criteria provided, multiple submitters, no conflicts (2 of 4 stars). 2 submissions from 2 submitters: Uncertain significance (2). Last evaluated 2024-10-08.

Conditions:
Inborn genetic diseases. Identifiers: MedGen C0950123, MeSH D030342.

Allele frequency attached by ClinVar (database versions not stated): TOPMed 0.00001; gnomAD exomes 0.00001; ExAC 0.00001; gnomAD 0.00001.
gnomAD v4.1: 11 of 1,614,040 alleles (0.00068%); highest among the groups gnomAD compares: Middle Eastern, 0.016%; no homozygotes.

Submissions (2):

Labcorp Genetics (formerly Invitae), Labcorp
Classification: Uncertain significance. Last evaluated: 2024-10-08. Review status: criteria provided, single submitter. Criteria: Invitae Variant Classification Sherloc (09022015). Collection method: clinical testing. Allele origin: germline.
Comment: This sequence change replaces threonine, which is neutral and polar, with isoleucine, which is neutral and non-polar, at codon 417 of the ERCC3 protein (p.Thr417Ile). This variant is present in population databases (rs749619361, gnomAD 0.003%). This variant has not been reported in the literature in individuals affected with ERCC3-related conditions. ClinVar contains an entry for this variant (Variation ID: 1358478). Invitae Evidence Modeling of protein sequence and biophysical properties (such as structural, functional, and spatial information, amino acid conservation, physicochemical variation, residue mobility, and thermodynamic stability) indicates that this missense variant is not expected to disrupt ERCC3 protein function with a negative predictive value of 80%. In summary, the available evidence is currently insufficient to determine the role of this variant in disease. Therefore, it has been classified as a Variant of Uncertain Significance.

Ambry Genetics
Classification: Uncertain significance for Inborn genetic diseases. Last evaluated: 2024-01-24. Review status: criteria provided, single submitter. Criteria: Ambry Variant Classification Scheme 2023. Collection method: clinical testing. Allele origin: germline.

NM_000122.2(ERCC3):c.1250C>T (p.Thr417Ile)

Gene: ERCC3 (ERCC excision repair 3, TFIIH core complex helicase subunit; minus strand). Cytogenetic location: 2q14.3.
Variant type: single nucleotide variant.
Coding change: c.1250C>T on transcript NM_000122.2 (MANE Select); coding-DNA position 1250, C replaced by T.
Protein change: p.Thr417Ile; replaces threonine 417 with isoleucine.
Molecular consequence: missense variant.
Genome position (GRCh38, 1-based): chr2:127,286,795, G>A on the plus strand (C>T on the coding strand, the complement: ERCC3 is on the minus strand). VCF-style: chr2-127286795-G-A. GRCh37 (hg19) VCF-style: chr2-128044371-G-A.
Other names: c.1058C>T, p.Thr353Ile (NM_001303416.2, NM_001303418.2); c.1250C>T (NM_000122.1); short protein forms T353I, T417I.
Identifiers: ClinVar variation 1358478 (VCV001358478.8), dbSNP rs749619361, ClinGen allele CA1858324.